The following is an entry in ClinVar:

NM_000548.5(TSC2):c.4266C>T (p.Thr1422=)

Gene: TSC2 (TSC complex subunit 2; plus strand). Cytogenetic location: 16p13.3.
Variant type: single nucleotide variant.
Coding change: c.4266C>T on transcript NM_000548.5 (MANE Select); coding-DNA position 4266, C replaced by T.
Protein change: p.Thr1422=; no amino-acid change (threonine 1422 retained).
Molecular consequence: synonymous variant. On other transcripts: non-coding transcript variant (5).
Genome position (GRCh38, 1-based): chr16:2,084,488, C>T. VCF-style: chr16-2084488-C-T. GRCh37 (hg19) VCF-style: chr16-2134489-C-T.
Other names: c.4065C>T, p.Thr1355= (NM_001077183.3); c.4197C>T, p.Thr1399= (NM_001114382.3); c.3957C>T, p.Thr1319= (NM_001318827.2); c.3921C>T, p.Thr1307= (NM_001318829.2); c.3534C>T, p.Thr1178= (NM_001318831.2); c.4098C>T, p.Thr1366= (NM_001318832.2); c.4068C>T, p.Thr1356= (NM_001363528.2); c.4134C>T, p.Thr1378= (NM_001370404.1); and 26 more.
Identifiers: ClinVar variation 2806325 (VCV002806325.5), dbSNP rs2090513817, ClinGen allele CA493043394.
Genomic context (GRCh38, chr16:2,084,488, plus strand): 5'-GGACAAGGCCGACGTGGGCCGGCTGAGCCCTGAGGTTAAGGCCCGGTCACAGTCAGGGAC[C>T]CTGGACGGGGAAAGTGCTGCCTGGTCGGCCTCGGGCGAAGACAGTCGGGGCCAGCCCGAG-3'
Protein context (NP_000539.2, residues 1412-1432): PEVKARSQSG[Thr1422=]LDGESAAWSA

ClinVar aggregate classification (germline): Benign/Likely benign. Review status: criteria provided, multiple submitters, no conflicts (2 of 4 stars). 3 submissions from 3 submitters: Benign (1); Likely benign (2). Last evaluated 2025-06-03.

Conditions:
Tuberous sclerosis 2 (TSC2). Identifiers: Orphanet 805, MedGen C1860707, MONDO:0013199, OMIM 613254.
Hereditary cancer-predisposing syndrome. Also called: Hereditary Cancer Syndrome; Hereditary neoplastic syndrome; Neoplastic Syndromes, Hereditary; Tumor predisposition. Identifiers: Orphanet 140162, MedGen C0027672, MeSH D009386, MONDO:0015356.

Allele frequency attached by ClinVar (database versions not stated): TOPMed below 0.00001.

Submissions (3):

Myriad Genetics, Inc.
Classification: Benign for Tuberous sclerosis 2. Last evaluated: 2025-06-03. Review status: criteria provided, single submitter. Criteria: Myriad Autosomal Dominant, Autosomal Recessive and X-Linked Classification Criteria (2023). Collection method: clinical testing. Allele origin: unknown.
Comment: This variant is considered benign. This variant is a silent/synonymous amino acid change and it is not expected to impact splicing.

Ambry Genetics
Classification: Likely benign for Hereditary cancer-predisposing syndrome. Last evaluated: 2025-04-04. Review status: criteria provided, single submitter. Criteria: Ambry Variant Classification Scheme 2023. Collection method: clinical testing. Allele origin: germline.

Labcorp Genetics (formerly Invitae), Labcorp
Classification: Likely benign for Tuberous sclerosis 2. Last evaluated: 2023-03-14. Review status: criteria provided, single submitter. Criteria: Invitae Variant Classification Sherloc (09022015). Collection method: clinical testing. Allele origin: germline.